The following is an entry in ClinVar:

NM_004946.3(DOCK2):c.650C>T (p.Ser217Leu)

Gene: DOCK2 (dedicator of cytokinesis 2; plus strand). Cytogenetic location: 5q35.1.
Variant type: single nucleotide variant.
Coding change: c.650C>T on transcript NM_004946.3 (MANE Select); coding-DNA position 650, C replaced by T.
Protein change: p.Ser217Leu; replaces serine 217 with leucine.
Molecular consequence: missense variant. On other transcripts: non-coding transcript variant (1).
Genome position (GRCh38, 1-based): chr5:169,684,239, C>T. VCF-style: chr5-169684239-C-T. GRCh37 (hg19) VCF-style: chr5-169111243-C-T.
Other names: c.650C>T (NM_004946.2); short protein forms S217L.
Identifiers: ClinVar variation 2698564 (VCV002698564.4), dbSNP rs755691445, ClinGen allele CA3553220.

ClinVar aggregate classification (germline): Uncertain significance. Review status: criteria provided, multiple submitters, no conflicts (2 of 4 stars). 2 submissions from 2 submitters: Uncertain significance (2). Last evaluated 2025-10-26.

Conditions:
Inborn genetic diseases. Identifiers: MedGen C0950123, MeSH D030342.
DOCK2 deficiency. Also called: Immunodeficiency 40. Identifiers: Orphanet 447737, MedGen C4225328, MONDO:0014637, OMIM 616433.

Allele frequency attached by ClinVar (database versions not stated): gnomAD 0.00003; ExAC 0.00005.
gnomAD v4.1: 20 of 1,614,072 alleles (0.0012%); highest among the groups gnomAD compares: East Asian, 0.038%; no homozygotes.

Submissions (2):

Labcorp Genetics (formerly Invitae), Labcorp
Classification: Uncertain significance for DOCK2 deficiency. Last evaluated: 2025-10-26. Review status: criteria provided, single submitter. Criteria: Invitae Variant Classification Sherloc (09022015). Collection method: clinical testing. Allele origin: germline.
Comment: This sequence change replaces serine, which is neutral and polar, with leucine, which is neutral and non-polar, at codon 217 of the DOCK2 protein (p.Ser217Leu). This variant is present in population databases (rs755691445, gnomAD 0.07%). This variant has not been reported in the literature in individuals affected with DOCK2-related conditions. ClinVar contains an entry for this variant (Variation ID: 2698564). An algorithm developed to predict the effect of missense changes on protein structure and function (PolyPhen-2) suggests that this variant is likely to be tolerated. In summary, the available evidence is currently insufficient to determine the role of this variant in disease. Therefore, it has been classified as a Variant of Uncertain Significance.

Ambry Genetics
Classification: Uncertain significance for Inborn genetic diseases. Last evaluated: 2024-01-31. Review status: criteria provided, single submitter. Criteria: Ambry Variant Classification Scheme 2023. Collection method: clinical testing. Allele origin: germline.